The following is an entry in ClinVar:

NM_014976.2(PDCD11):c.2131G>A (p.Val711Ile)

Gene: PDCD11 (programmed cell death 11; plus strand). Cytogenetic location: 10q24.33.
Variant type: single nucleotide variant.
Coding change: c.2131G>A on transcript NM_014976.2 (MANE Select); coding-DNA position 2131, G replaced by A.
Protein change: p.Val711Ile; replaces valine 711 with isoleucine.
Molecular consequence: missense variant.
Genome position (GRCh38, 1-based): chr10:103,419,562, G>A. VCF-style: chr10-103419562-G-A. GRCh37 (hg19) VCF-style: chr10-105179319-G-A.
Other names: c.2131G>A, p.Val711Ile (NM_001411058.1, NM_001437420.1, NM_001437421.1); short protein forms V711I.
Identifiers: ClinVar variation 4861698 (VCV004861698.1).

ClinVar aggregate classification (germline): Uncertain significance (1 of 4 stars; one submission).

gnomAD v4.1: 11 of 1,613,722 alleles (0.00068%); highest among the groups gnomAD compares: Middle Eastern, 0.049%; no homozygotes.

Submission:

Ambry Genetics
Classification: Uncertain significance. Last evaluated: 2026-03-31. Review status: criteria provided, single submitter. Criteria: Ambry Variant Classification Scheme 2023. Collection method: clinical testing. Allele origin: germline.
Comment: The c.2131G>A (p.V711I) alteration is located in exon 16 (coding exon 15) of the PDCD11 gene. This alteration results from a G to A substitution at nucleotide position 2131, causing the valine (V) at amino acid position 711 to be replaced by an isoleucine (I). Based on data from gnomAD, the A allele has an overall frequency of 0.001% (3/250966) total alleles studied. The highest observed frequency was 0.003% (1/34424) of Latino alleles. Based on insufficient or conflicting evidence, the clinical significance of this alteration remains unclear.